The following is an entry in ClinVar:

ClinVar aggregate classification (germline): Pathogenic/Likely pathogenic. Review status: criteria provided, multiple submitters, no conflicts (2 of 4 stars). 3 submissions from 3 submitters: Pathogenic (2); Likely pathogenic (1). Last evaluated 2025-02-16.

Conditions:
X-linked Mendelian susceptibility to mycobacterial diseases due to CYBB deficiency. Also called: IMMUNODEFICIENCY 34; IMMUNODEFICIENCY 34, MYCOBACTERIOSIS, X-LINKED. Identifiers: Orphanet 319605, MedGen C1970859, MONDO:0010389, OMIM 300645.
Granulomatous disease, chronic, X-linked. Also called: GRANULOMATOUS DISEASE, CHRONIC, X-LINKED, SOMATIC MOSAIC; CYTOCHROME b-NEGATIVE GRANULOMATOUS DISEASE, CHRONIC, X-LINKED. Identifiers: Orphanet 379, MedGen C1844376, MONDO:0010600, OMIM 306400.

Allele frequency attached by ClinVar (database versions not stated): gnomAD exomes below 0.00001 and 0.00001.

Submissions (3):

GeneDx
Classification: Pathogenic. Last evaluated: 2025-02-16. Review status: criteria provided, single submitter. Criteria: GeneDx Variant Classification Process June 2021. Collection method: clinical testing. Allele origin: germline. Affected: yes.
Comment: Nonsense variant predicted to result in protein truncation, as the last 16 amino acid(s) are lost, and other loss-of-function variants have been reported downstream in HGMD; Not observed at significant frequency in large population cohorts (gnomAD); This variant is associated with the following publications: (PMID: 11162142, 34175765, 15082894, 20729109, 34268280, 35771399)

Women's Health and Genetics/Laboratory Corporation of America, LabCorp
Classification: Pathogenic for Granulomatous disease, chronic, X-linked. Last evaluated: 2021-08-18. Review status: criteria provided, single submitter. Criteria: LabCorp Variant Classification Summary - May 2015. Collection method: clinical testing. Allele origin: germline.
Comment: Variant summary: CYBB c.1662dupT (p.Glu555X) results in a premature termination codon, predicted to cause a truncation of the encoded protein or absence of the protein due to nonsense mediated decay, which are commonly known mechanisms for disease. The variant allele was found at a frequency of 5.5e-06 in 182993 control chromosomes (gnomAD). c.1662dupT has been reported in the literature in individuals affected with X-Linked Chronic Granulomatous Disease, documented as CGD type X91(0) (i.e. protein undetectable as determined by immunoblot analysis and/or spectral analysis) (Heyworth_2001, Oh_2004, Roos_2010). These data indicate that the variant is likely to be associated with disease. A ClinVar submitter (evaluation after 2014) cites the variant as pathogenic. Based on the evidence outlined above, the variant was classified as pathogenic.

Juno Genomics, Hangzhou Juno Genomics, Inc
Classification: Likely pathogenic for Granulomatous disease, chronic, X-linked; X-linked Mendelian susceptibility to mycobacterial diseases due to CYBB deficiency. Review status: criteria provided, single submitter. Criteria: ACMG Guidelines, 2015. Collection method: clinical testing. Allele origin: germline. Affected: yes.
Comment: Absent from controls (or at extremely low frequency if recessive) in Genome Aggregation Database, Exome Sequencing Project, 1000 Genomes Project, or Exome Aggregation Consortium.;Null variant in a gene where loss of function (LOF) is a known mechanism of disease.;The prevalence of the variant in affected individuals is significantly increased compared to the prevalence in controls.

Literature cited by the submitters: PubMed 11162142 (cited by Women's Health and Genetics/Laboratory Corporation of America, LabCorp); PubMed 15082894 (cited by Women's Health and Genetics/Laboratory Corporation of America, LabCorp); PubMed 20729109 (cited by Women's Health and Genetics/Laboratory Corporation of America, LabCorp).

NM_000397.4(CYBB):c.1662dup (p.Glu555Ter)

Gene: CYBB (cytochrome b-245 beta chain; plus strand). Cytogenetic location: Xp11.4.
Variant type: Duplication.
Coding change: c.1662dup on transcript NM_000397.4 (MANE Select); coding-DNA position 1662, one base duplicated (T; older notation c.1662dupT).
Protein change: p.Glu555Ter; replaces glutamic acid 555 with a stop codon.
Molecular consequence: nonsense.
Genome position (GRCh38, 1-based): chrX:37,810,866, T duplicated. VCF-style (leftmost placement, unchanged base first): chrX-37810865-C-CT. GRCh37 (hg19) VCF-style: chrX-37670118-C-CT.
Other names: c.1662dupT (NM_000397.3); short protein forms E555*.
Identifiers: ClinVar variation 418153 (VCV000418153.7), dbSNP rs1453468510, ClinGen allele CA16621368.